The following is an entry in ClinVar:

ClinVar aggregate classification (germline): Uncertain significance. Review status: criteria provided, single submitter (1 of 4 stars). 2 submissions from 2 submitters: Uncertain significance (1). 1 of the submissions does not count toward it. Last evaluated 2019-12-19.

Conditions:
Hypertrophic cardiomyopathy 6. Identifiers: MedGen C1833236, MONDO:0010946, OMIM 600858.
Lethal congenital glycogen storage disease of heart. Also called: GLYCOGEN STORAGE DISEASE OF HEART; PHOSPHORYLASE KINASE DEFICIENCY OF HEART. Identifiers: Orphanet 439854, MedGen C1849813, MONDO:0009867, OMIM 261740.

Submissions (2):

Labcorp Genetics (formerly Invitae), Labcorp
Classification: Uncertain significance for Lethal congenital glycogen storage disease of heart. Last evaluated: 2019-12-19. Review status: criteria provided, single submitter. Criteria: Invitae Variant Classification Sherloc (09022015). Collection method: clinical testing. Allele origin: germline.
Comment: In summary, the available evidence is currently insufficient to determine the role of this variant in disease. Therefore, it has been classified as a Variant of Uncertain Significance. Algorithms developed to predict the effect of missense changes on protein structure and function (SIFT, PolyPhen-2, Align-GVGD) all suggest that this variant is likely to be disruptive, but these predictions have not been confirmed by published functional studies and their clinical significance is uncertain. This variant has been observed in individual(s) with hypertrophic cardiomyopathy (PMID: 16487706). ClinVar contains an entry for this variant (Variation ID: 6856). This variant is not present in population databases (ExAC no frequency). This sequence change replaces serine with proline at codon 548 of the PRKAG2 protein (p.Ser548Pro). The serine residue is highly conserved and there is a moderate physicochemical difference between serine and proline.

OMIM
Classification: Pathogenic for CARDIOMYOPATHY, FAMILIAL HYPERTROPHIC, 6. Last evaluated: 2006-03-01. Review status: no assertion criteria provided. Collection method: literature only. Allele origin: germline. Not counted in ClinVar's aggregate classification.

Literature cited by the submitters: PubMed 16487706 (cited by Labcorp Genetics (formerly Invitae), Labcorp and OMIM).

NM_016203.4(PRKAG2):c.1642T>C (p.Ser548Pro)

Gene: PRKAG2 (protein kinase AMP-activated non-catalytic subunit gamma 2; minus strand). Cytogenetic location: 7q36.1.
Variant type: single nucleotide variant.
Coding change: c.1642T>C on transcript NM_016203.4 (MANE Select); coding-DNA position 1642, T replaced by C.
Protein change: p.Ser548Pro; replaces serine 548 with proline.
Molecular consequence: missense variant.
Genome position (GRCh38, 1-based): chr7:151,560,560, A>G on the plus strand (T>C on the coding strand, the complement: PRKAG2 is on the minus strand). VCF-style: chr7-151560560-A-G. GRCh37 (hg19) VCF-style: chr7-151257646-A-G.
Other names: c.1510T>C, p.Ser504Pro (NM_001040633.2); c.1267T>C, p.Ser423Pro (NM_001304527.2); c.919T>C, p.Ser307Pro (NM_001304531.2, NM_024429.2); c.1270T>C, p.Ser424Pro (NM_001363698.2); short protein forms S548P, S504P, S307P, S423P, S424P.
Identifiers: ClinVar variation 6856 (VCV000006856.10), dbSNP rs267606979, ClinGen allele CA013927.